The following is an entry in ClinVar:

NM_004958.4(MTOR):c.7370T>C (p.Ile2457Thr)

Gene: MTOR (mechanistic target of rapamycin kinase; minus strand). Cytogenetic location: 1p36.22.
Variant type: single nucleotide variant.
Coding change: c.7370T>C on transcript NM_004958.4 (MANE Select); coding-DNA position 7370, T replaced by C.
Protein change: p.Ile2457Thr; replaces isoleucine 2457 with threonine.
Molecular consequence: missense variant.
Genome position (GRCh38, 1-based): chr1:11,109,726, A>G on the plus strand (T>C on the coding strand, the complement: MTOR is on the minus strand). VCF-style: chr1-11109726-A-G. GRCh37 (hg19) VCF-style: chr1-11169783-A-G.
Other names: c.7370T>C (LRG_734t1); short protein forms I2457T.
Identifiers: ClinVar variation 408306 (VCV000408306.10), dbSNP rs1060501911, ClinGen allele CA16609854.

ClinVar aggregate classification (germline): Uncertain significance (1 of 4 stars; one submission).

Submission:

Labcorp Genetics (formerly Invitae), Labcorp
Classification: Uncertain significance. Last evaluated: 2016-05-29. Review status: criteria provided, single submitter. Criteria: Invitae Variant Classification Sherloc (09022015). Collection method: clinical testing. Allele origin: germline.
Comment: This variant is not present in population databases (ExAC no frequency) and has not been reported in the literature in individuals with a MTOR-related disease. In summary, this variant is a novel missense change with uncertain impact on protein function. It has been classified as a Variant of Uncertain Significance. Algorithms developed to predict the effect of missense changes on protein structure and function do not agree on the potential impact of this missense change (SIFT: "Deleterious"; PolyPhen-2: "Benign"; Align-GVGD: "Class C0"). This sequence change replaces isoleucine with threonine at codon 2457 of the MTOR protein (p.Ile2457Thr). The isoleucine residue is weakly conserved and there is a moderate physicochemical difference between isoleucine and threonine.